The following is an entry in ClinVar:

ClinVar aggregate classification (germline): Uncertain significance. Review status: criteria provided, multiple submitters, no conflicts (2 of 4 stars). 4 submissions from 4 submitters: Uncertain significance (4). Last evaluated 2025-08-30.

Conditions:
Autosomal dominant cerebellar ataxia. Also called: Spinocerebellar Ataxia, Dominant. Identifiers: Orphanet 99, MedGen C4087347, MONDO:0020380.
Inborn genetic diseases. Identifiers: MedGen C0950123, MeSH D030342.

Allele frequency attached by ClinVar (database versions not stated): gnomAD 0.00001; TOPMed 0.00001.
gnomAD v4.1: 27 of 1,613,790 alleles (0.0017%); highest among the groups gnomAD compares: East Asian, 0.0022%; no homozygotes.

Submissions (4):

Ambry Genetics
Classification: Uncertain significance for Inborn genetic diseases. Last evaluated: 2025-08-30. Review status: criteria provided, single submitter. Criteria: Ambry Variant Classification Scheme 2023. Collection method: clinical testing. Allele origin: germline.

Women's Health and Genetics/Laboratory Corporation of America, LabCorp
Classification: Uncertain significance. Last evaluated: 2025-06-27. Review status: criteria provided, single submitter. Criteria: LabCorp Variant Classification Summary - May 2015. Collection method: clinical testing. Allele origin: germline.
Comment: Variant summary: ITPR1 c.5155G>A (p.Gly1719Arg) results in a non-conservative amino acid change in the encoded protein sequence. Algorithms developed to predict the effect of missense changes on protein structure and function are either unavailable or do not agree on the potential impact of this missense change. The variant allele was found at a frequency of 8e-06 in 248958 control chromosomes. The available data on variant occurrences in the general population are insufficient to allow any conclusion about variant significance. To our knowledge, no occurrence of c.5155G>A in individuals affected with Spinocerebellar Ataxia 29 and no experimental evidence demonstrating its impact on protein function have been reported. ClinVar contains an entry for this variant (Variation ID: 345746). Based on the evidence outlined above, the variant was classified as uncertain significance.

Labcorp Genetics (formerly Invitae), Labcorp
Classification: Uncertain significance. Last evaluated: 2024-10-30. Review status: criteria provided, single submitter. Criteria: Invitae Variant Classification Sherloc (09022015). Collection method: clinical testing. Allele origin: germline.
Comment: This sequence change replaces glycine, which is neutral and non-polar, with arginine, which is basic and polar, at codon 1719 of the ITPR1 protein (p.Gly1719Arg). This variant is present in population databases (no rsID available, gnomAD 0.006%). This variant has not been reported in the literature in individuals affected with ITPR1-related conditions. ClinVar contains an entry for this variant (Variation ID: 345746). Invitae Evidence Modeling of protein sequence and biophysical properties (such as structural, functional, and spatial information, amino acid conservation, physicochemical variation, residue mobility, and thermodynamic stability) indicates that this missense variant is not expected to disrupt ITPR1 protein function with a negative predictive value of 95%. In summary, the available evidence is currently insufficient to determine the role of this variant in disease. Therefore, it has been classified as a Variant of Uncertain Significance.

Illumina Laboratory Services, Illumina
Classification: Uncertain significance for Spinocerebellar Ataxia, Dominant. Last evaluated: 2018-01-12. Review status: criteria provided, single submitter. Criteria: ICSL Variant Classification Criteria 13 December 2019. Collection method: clinical testing. Allele origin: germline.

NM_001378452.1(ITPR1):c.5344G>A (p.Gly1782Arg)

Gene: ITPR1 (inositol 1,4,5-trisphosphate receptor type 1; plus strand). Cytogenetic location: 3p26.1.
Variant type: single nucleotide variant.
Coding change: c.5344G>A on transcript NM_001378452.1 (MANE Select); coding-DNA position 5344, G replaced by A.
Protein change: p.Gly1782Arg; replaces glycine 1782 with arginine.
Molecular consequence: missense variant.
Genome position (GRCh38, 1-based): chr3:4,733,211, G>A. VCF-style: chr3-4733211-G-A. GRCh37 (hg19) VCF-style: chr3-4774895-G-A.
Other names: c.5200G>A, p.Gly1734Arg (NM_001099952.4); c.5299G>A, p.Gly1767Arg (NM_001168272.2); c.5155G>A, p.Gly1719Arg (NM_002222.7); short protein forms G1719R, G1767R, G1734R, G1782R.
Identifiers: ClinVar variation 345746 (VCV000345746.9), dbSNP rs886058619, ClinGen allele CA10618832.